The following is an entry in ClinVar:

NM_001122681.2(SH3BP2):c.429-13C>G

Gene: SH3BP2 (SH3 domain binding protein 2; plus strand). Cytogenetic location: 4p16.3.
Variant type: single nucleotide variant.
Coding change: c.429-13C>G on transcript NM_001122681.2 (MANE Select); 13 bases into the intron before coding-DNA position 429, C replaced by G.
Molecular consequence: intron variant.
Genome position (GRCh38, 1-based): chr4:2,827,217, C>G. VCF-style: chr4-2827217-C-G. GRCh37 (hg19) VCF-style: chr4-2828944-C-G.
Other names: c.513-13C>G (NM_001145855.2); c.600-13C>G (NM_001145856.2); c.429-13C>G (NM_003023.4).
Identifiers: ClinVar variation 3638860 (VCV003638860.2).

ClinVar aggregate classification (germline): Uncertain significance (1 of 4 stars; one submission).

Conditions:
Fibrous dysplasia of jaw (CRBM). Also called: Cherubism. Identifiers: Orphanet 184, MedGen C0008029, MONDO:0007315, OMIM 118400.

Submission:

Labcorp Genetics (formerly Invitae), Labcorp
Classification: Uncertain significance for Fibrous dysplasia of jaw. Last evaluated: 2024-02-04. Review status: criteria provided, single submitter. Criteria: Invitae Variant Classification Sherloc (09022015). Collection method: clinical testing. Allele origin: germline.
Comment: This sequence change falls in intron 5 of the SH3BP2 gene. It does not directly change the encoded amino acid sequence of the SH3BP2 protein. This variant is not present in population databases (gnomAD no frequency). This variant has not been reported in the literature in individuals affected with SH3BP2-related conditions. Algorithms developed to predict the effect of sequence changes on RNA splicing suggest that this variant may disrupt the consensus splice site. In summary, the available evidence is currently insufficient to determine the role of this variant in disease. Therefore, it has been classified as a Variant of Uncertain Significance.